The following is an entry in ClinVar:

NM_006885.4(ZFHX3):c.141C>T (p.His47=)

Gene: ZFHX3 (zinc finger homeobox 3; minus strand). Cytogenetic location: 16q22.3.
Variant type: single nucleotide variant.
Coding change: c.141C>T on transcript NM_006885.4 (MANE Select); coding-DNA position 141, C replaced by T.
Protein change: p.His47=; no amino-acid change (histidine 47 retained).
Molecular consequence: synonymous variant. On other transcripts: intron variant (1).
Genome position (GRCh38, 1-based): chr16:72,960,005, G>A on the plus strand (C>T on the coding strand, the complement: ZFHX3 is on the minus strand). VCF-style: chr16-72960005-G-A. GRCh37 (hg19) VCF-style: chr16-72993904-G-A.
Other names: c.141C>T, p.His47= (NM_001386735.1); c.-23-9040C>T (NM_001164766.2).
Identifiers: ClinVar variation 2646853 (VCV002646853.24), dbSNP rs116519588, ClinGen allele CA8165103.

ClinVar aggregate classification (germline): Benign (1 of 4 stars; one submission).

Allele frequency attached by ClinVar (database versions not stated): 1000 Genomes Project 30x 0.00031; 1000 Genomes Project 0.00040.
gnomAD v4.1: 351 of 1,613,904 alleles (0.022%); highest among the groups gnomAD compares: East Asian, 0.089%; no homozygotes.

Submission:

CeGaT Center for Human Genetics Tuebingen
Classification: Benign. Last evaluated: 2022-03-01. Review status: criteria provided, single submitter. Criteria: CeGaT Center For Human Genetics Tuebingen Variant Classification Criteria Version 2. Collection method: clinical testing. Allele origin: germline. Affected: yes. Observed: 1 variant allele.
Comment: ZFHX3: BS1, BS2